The following is an entry in ClinVar:

ClinVar aggregate classification (germline): Uncertain significance (1 of 4 stars; one submission).

Allele frequency attached by ClinVar (database versions not stated): gnomAD exomes below 0.00001.
gnomAD v4.1: 1 of 1,613,234 alleles (0.000062%); no homozygotes.

Submission:

Labcorp Genetics (formerly Invitae), Labcorp
Classification: Uncertain significance. Last evaluated: 2022-07-15. Review status: criteria provided, single submitter. Criteria: Invitae Variant Classification Sherloc (09022015). Collection method: clinical testing. Allele origin: germline.
Comment: In summary, the available evidence is currently insufficient to determine the role of this variant in disease. Therefore, it has been classified as a Variant of Uncertain Significance. Algorithms developed to predict the effect of missense changes on protein structure and function are either unavailable or do not agree on the potential impact of this missense change (SIFT: "Tolerated"; PolyPhen-2: "Probably Damaging"; Align-GVGD: "Class C0"). This variant has not been reported in the literature in individuals affected with ADGRV1-related conditions. This variant is not present in population databases (gnomAD no frequency). This sequence change replaces alanine, which is neutral and non-polar, with proline, which is neutral and non-polar, at codon 1373 of the ADGRV1 protein (p.Ala1373Pro).

NM_032119.4(ADGRV1):c.4117G>C (p.Ala1373Pro)

Gene: ADGRV1 (adhesion G protein-coupled receptor V1; plus strand). Cytogenetic location: 5q14.3.
Variant type: single nucleotide variant.
Coding change: c.4117G>C on transcript NM_032119.4 (MANE Select); coding-DNA position 4117, G replaced by C.
Protein change: p.Ala1373Pro; replaces alanine 1373 with proline.
Molecular consequence: missense variant. On other transcripts: non-coding transcript variant (1).
Genome position (GRCh38, 1-based): chr5:90,653,691, G>C. VCF-style: chr5-90653691-G-C. GRCh37 (hg19) VCF-style: chr5-89949508-G-C.
Other names: short protein forms A1373P.
Identifiers: ClinVar variation 1715254 (VCV001715254.5), dbSNP rs1226822421, ClinGen allele CA360401444.